The following is an entry in ClinVar:

ClinVar aggregate classification (germline): Uncertain significance (1 of 4 stars; one submission).

Submission:

Labcorp Genetics (formerly Invitae), Labcorp
Classification: Uncertain significance. Last evaluated: 2022-04-13. Review status: criteria provided, single submitter. Criteria: Invitae Variant Classification Sherloc (09022015). Collection method: clinical testing. Allele origin: germline.
Comment: This sequence change replaces threonine, which is neutral and polar, with proline, which is neutral and non-polar, at codon 397 of the PROM1 protein (p.Thr397Pro). This variant is not present in population databases (gnomAD no frequency). This variant has not been reported in the literature in individuals affected with PROM1-related conditions. Algorithms developed to predict the effect of missense changes on protein structure and function are either unavailable or do not agree on the potential impact of this missense change (SIFT: "Tolerated"; PolyPhen-2: "Probably Damaging"; Align-GVGD: "Class C0"). In summary, the available evidence is currently insufficient to determine the role of this variant in disease. Therefore, it has been classified as a Variant of Uncertain Significance.

NM_006017.3(PROM1):c.1189A>C (p.Thr397Pro)

Gene: PROM1 (prominin 1; minus strand). Cytogenetic location: 4p15.32.
Variant type: single nucleotide variant.
Coding change: c.1189A>C on transcript NM_006017.3 (MANE Select); coding-DNA position 1189, A replaced by C.
Protein change: p.Thr397Pro; replaces threonine 397 with proline.
Molecular consequence: missense variant.
Genome position (GRCh38, 1-based): chr4:16,009,061, T>G on the plus strand (A>C on the coding strand, the complement: PROM1 is on the minus strand). VCF-style: chr4-16009061-T-G. GRCh37 (hg19) VCF-style: chr4-16010684-T-G.
Other names: c.1162A>C, p.Thr388Pro (NM_001145847.2, NM_001145848.2, NM_001145851.2 and 4 more transcripts); c.1189A>C, p.Thr397Pro (NM_001145849.2, NM_001145850.2); short protein forms T397P, T388P.
Identifiers: ClinVar variation 1431866 (VCV001431866.8), dbSNP rs2149250062, ClinGen allele CA356437023.
Genomic context (GRCh38, chr4:16,009,061, plus strand): 5'-CAGTGTTATTAACATAAACAGAGAATGCTGAGAGTATATCCTGAATAGGAAGACGCTGAG[T>G]TACATTGTCGATATCTGAACCAATGGAATTCAAGACCCTTTTGATACCTGAAAACAAAGA-3'
Protein context (NP_006008.1, residues 387-407): NSIGSDIDNV[Thr397Pro]QRLPIQDILS